The following is an entry in ClinVar:

ClinVar aggregate classification (germline): Likely pathogenic (1 of 4 stars; one submission).

Conditions:
Joubert syndrome. Also called: CEREBELLOPARENCHYMAL DISORDER IV; JOUBERT-BOLTSHAUSER SYNDROME; Familial aplasia of the vermis. Identifiers: Orphanet 475, MedGen C5979921, MONDO:0018772.

Submission:

Labcorp Genetics (formerly Invitae), Labcorp
Classification: Likely pathogenic for Joubert syndrome. Last evaluated: 2025-05-30. Review status: criteria provided, single submitter. Criteria: Invitae Variant Classification Sherloc (09022015). Collection method: clinical testing. Allele origin: germline.
Comment: This sequence change affects a splice site in intron 1 of the INPP5E gene. It is expected to disrupt RNA splicing. Variants that disrupt the donor or acceptor splice site typically lead to a loss of protein function (PMID: 16199547), and loss-of-function variants in INPP5E are known to be pathogenic (PMID: 19668216, 23034536, 23386033, 28125082, 29555955). This variant is present in population databases (no rsID available, gnomAD 0.3%). This variant has not been reported in the literature in individuals affected with INPP5E-related conditions. Algorithms developed to predict the effect of sequence changes on RNA splicing suggest that this variant may disrupt the consensus splice site. In summary, the currently available evidence indicates that the variant is pathogenic, but additional data are needed to prove that conclusively. Therefore, this variant has been classified as Likely Pathogenic.

Literature cited by the submitters: PubMed 16199547; PubMed 19668216; PubMed 23034536; PubMed 23386033; PubMed 28125082; PubMed 29555955.

NM_019892.6(INPP5E):c.812+2_812+5del

Gene: INPP5E (inositol polyphosphate-5-phosphatase E; minus strand). Cytogenetic location: 9q34.3.
Variant type: Deletion.
Coding change: c.812+2_812+5del on transcript NM_019892.6 (MANE Select); the canonical splice donor site of the intron after coding-DNA position 812 through 5 bases into the intron after coding-DNA position 812, 4 bases deleted (TAGG; older notation c.812+2_812+5delTAGG).
Molecular consequence: splice donor variant.
Genome position (GRCh38, 1-based): chr9:136,438,603-136,438,606, CCTA deleted on the plus strand (TAGG on the coding strand, the reverse complement: INPP5E is on the minus strand); deleting any 4 consecutive bases within chr9:136,438,603-136,438,609 gives the same sequence; the c. name uses the placement nearest the transcript's 3' end. VCF-style (leftmost placement, unchanged base first): chr9-136438602-CCCTA-C. GRCh37 (hg19) VCF-style: chr9-139333054-CCCTA-C.
Other names: c.812+2_812+5del (NM_001318502.2).
Identifiers: ClinVar variation 4753715 (VCV004753715.1).